The following is an entry in ClinVar:

ClinVar aggregate classification (germline): Uncertain significance. Review status: criteria provided, single submitter (1 of 4 stars). 2 submissions from 2 submitters: Uncertain significance (1). 1 of the submissions does not count toward it. Last evaluated 2025-11-11.

Submissions (2):

Labcorp Genetics (formerly Invitae), Labcorp
Classification: Uncertain significance. Last evaluated: 2025-11-11. Review status: criteria provided, single submitter. Criteria: Invitae Variant Classification Sherloc (09022015). Collection method: clinical testing. Allele origin: germline.
Comment: This sequence change replaces valine, which is neutral and non-polar, with isoleucine, which is neutral and non-polar, at codon 242 of the NEUROD1 protein (p.Val242Ile). This variant is not present in population databases (gnomAD no frequency). This missense change has been observed in individual(s) with retinitis pigmentosa (PMID: 25477324). ClinVar contains an entry for this variant (Variation ID: 190104). An algorithm developed to predict the effect of missense changes on protein structure and function (PolyPhen-2) suggests that this variant is likely to be tolerated. In summary, the available evidence is currently insufficient to determine the role of this variant in disease. Therefore, it has been classified as a Variant of Uncertain Significance.

OMIM
Classification: Uncertain significance for VARIANT OF UNKNOWN SIGNIFICANCE. Last evaluated: 2014-12-04. Review status: no assertion criteria provided. Collection method: literature only. Allele origin: germline. Not counted in ClinVar's aggregate classification.

Literature cited by the submitters: PubMed 25477324 (cited by Labcorp Genetics (formerly Invitae), Labcorp and OMIM); PubMed 12533605 (cited by OMIM); PubMed 22784109 (cited by OMIM).

NM_002500.5(NEUROD1):c.724G>A (p.Val242Ile)

Gene: NEUROD1 (neuronal differentiation 1; minus strand). Cytogenetic location: 2q31.3.
Variant type: single nucleotide variant.
Coding change: c.724G>A on transcript NM_002500.5 (MANE Select); coding-DNA position 724, G replaced by A.
Protein change: p.Val242Ile; replaces valine 242 with isoleucine.
Molecular consequence: missense variant.
Genome position (GRCh38, 1-based): chr2:181,678,137, C>T on the plus strand (G>A on the coding strand, the complement: NEUROD1 is on the minus strand). VCF-style: chr2-181678137-C-T. GRCh37 (hg19) VCF-style: chr2-182542864-C-T.
Other names: short protein forms V242I.
Identifiers: ClinVar variation 190104 (VCV000190104.4), dbSNP rs786205158, ClinGen allele CA235626.